The following is an entry in ClinVar:

ClinVar aggregate classification (germline): Uncertain significance (1 of 4 stars; one submission).

Conditions:
Catecholaminergic polymorphic ventricular tachycardia 1. Also called: VENTRICULAR TACHYCARDIA, CATECHOLAMINERGIC POLYMORPHIC, 1, WITH OR WITHOUT ATRIAL DYSFUNCTION AND/OR DILATED CARDIOMYOPATHY; VENTRICULAR TACHYCARDIA, STRESS-INDUCED POLYMORPHIC 1; RYR2-Related Catecholaminergic Polymorphic Ventricular Tachycardia. Identifiers: Orphanet 3286, MedGen C1631597, MONDO:0011484, OMIM 604772.

Allele frequency attached by ClinVar (database versions not stated): gnomAD exomes 0.00001.
gnomAD v4.1: 7 of 1,073,100 alleles (0.00065%); highest among the groups gnomAD compares: Non-Finnish European, 0.00088%; no homozygotes.

Submission:

Labcorp Genetics (formerly Invitae), Labcorp
Classification: Uncertain significance for Catecholaminergic polymorphic ventricular tachycardia 1. Last evaluated: 2021-12-18. Review status: criteria provided, single submitter. Criteria: Invitae Variant Classification Sherloc (09022015). Collection method: clinical testing. Allele origin: germline.
Comment: In summary, the available evidence is currently insufficient to determine the role of this variant in disease. Therefore, it has been classified as a Variant of Uncertain Significance. Variants that disrupt the consensus splice site are a relatively common cause of aberrant splicing (PMID: 17576681, 9536098). Algorithms developed to predict the effect of sequence changes on RNA splicing suggest that this variant may disrupt the consensus splice site. This variant has not been reported in the literature in individuals affected with TRDN-related conditions. This variant is present in population databases (no rsID available, gnomAD 0.003%). This sequence change falls in intron 28 of the TRDN gene. It does not directly change the encoded amino acid sequence of the TRDN protein. It affects a nucleotide within the consensus splice site.

Literature cited by the submitters: PubMed 17576681; PubMed 9536098.

NM_006073.4(TRDN):c.1624+6T>A

Gene: TRDN (triadin; minus strand). Cytogenetic location: 6q22.31.
Variant type: single nucleotide variant.
Coding change: c.1624+6T>A on transcript NM_006073.4 (MANE Select); 6 bases into the intron after coding-DNA position 1624, T replaced by A.
Molecular consequence: intron variant.
Genome position (GRCh38, 1-based): chr6:123,273,331, A>T on the plus strand (T>A on the coding strand, the complement: TRDN is on the minus strand). VCF-style: chr6-123273331-A-T. GRCh37 (hg19) VCF-style: chr6-123594476-A-T.
Identifiers: ClinVar variation 2419085 (VCV002419085.6), dbSNP rs1160367659, ClinGen allele CA570331593.